The following is an entry in ClinVar:

NM_000444.6(PHEX):c.1079+1G>A

Gene: PHEX (phosphate regulating endopeptidase X-linked; plus strand). Cytogenetic location: Xp22.11.
Variant type: single nucleotide variant.
Coding change: c.1079+1G>A on transcript NM_000444.6 (MANE Select); the canonical splice donor site of the intron after coding-DNA position 1079, G replaced by A.
Molecular consequence: splice donor variant.
Genome position (GRCh38, 1-based): chrX:22,099,152, G>A. VCF-style: chrX-22099152-G-A. GRCh37 (hg19) VCF-style: chrX-22117270-G-A.
Other names: c.1079+1G>A (NM_001282754.2).
Identifiers: ClinVar variation 265502 (VCV000265502.13), dbSNP rs886039583, ClinGen allele CA10588759.

ClinVar aggregate classification (germline): Pathogenic. Review status: criteria provided, multiple submitters, no conflicts (2 of 4 stars). 3 submissions from 3 submitters: Pathogenic (3). Last evaluated 2025-01-22.

Conditions:
Familial X-linked hypophosphatemic vitamin D refractory rickets (XLHRD). Also called: X-Linked Hypophosphatemia; HYPOPHOSPHATEMIC VITAMIN D-RESISTANT RICKETS; Hypophosphatemic Rickets, X-Linked Dominant; Hypophosphatemia, vitamin D-resistant rickets; Vitamin D-resistant rickets, X-linked. Identifiers: Orphanet 89936, MedGen C0733682, MONDO:0010619, OMIM 307800.

Submissions (3):

Women's Health and Genetics/Laboratory Corporation of America, LabCorp
Classification: Pathogenic for Familial X-linked hypophosphatemic vitamin D refractory rickets. Last evaluated: 2025-01-22. Review status: criteria provided, single submitter. Criteria: LabCorp Variant Classification Summary - May 2015. Collection method: clinical testing. Allele origin: germline.
Comment: Variant summary: PHEX c.1079+1G>A is located in a canonical splice-site and is predicted to affect mRNA splicing resulting in a significantly altered protein due to either exon skipping, shortening, or inclusion of intronic material. Variants that disrupt the consensus splice site are a relatively common cause of aberrant splicing and loss of PHEX function. Several computational tools predict a significant impact on normal splicing: Three predict the variant abolishes a 5' splicing donor site. However, these predictions have yet to be confirmed by functional studies. The variant was absent in 1204228 control chromosomes. c.1079+1G>A has been reported in the literature in multiple individuals affected with X-Linked Hypophosphatemic Rickets (Ruppe_2011, Rodrguez-Rubio_2021, Cao_2022). These data indicate that the variant is very likely to be associated with disease. To our knowledge, no experimental evidence demonstrating an impact on protein function has been reported. The following publications have been ascertained in the context of this evaluation (PMID: 35842615, 33639975, 21050253). ClinVar contains an entry for this variant (Variation ID: 265502). Based on the evidence outlined above, the variant was classified as pathogenic.

Labcorp Genetics (formerly Invitae), Labcorp
Classification: Pathogenic. Last evaluated: 2024-04-17. Review status: criteria provided, single submitter. Criteria: Invitae Variant Classification Sherloc (09022015). Collection method: clinical testing. Allele origin: germline.
Comment: This sequence change affects a donor splice site in intron 9 of the PHEX gene. It is expected to disrupt RNA splicing. Variants that disrupt the donor or acceptor splice site typically lead to a loss of protein function (PMID: 16199547), and loss-of-function variants in PHEX are known to be pathogenic (PMID: 9097956, 9106524, 19219621). This variant is not present in population databases (gnomAD no frequency). Disruption of this splice site has been observed in individuals with X-linked hypophosphatemia (XLH) (PMID: 14564077, 21050253). ClinVar contains an entry for this variant (Variation ID: 265502). Algorithms developed to predict the effect of sequence changes on RNA splicing suggest that this variant may disrupt the consensus splice site. For these reasons, this variant has been classified as Pathogenic.

GeneDx
Classification: Pathogenic. Last evaluated: 2016-07-07. Review status: criteria provided, single submitter. Criteria: GeneDx Variant Classification (06012015). Collection method: clinical testing. Allele origin: germline. Affected: yes.
Comment: The c.1079+1 G>A splice site variant in the PHEX gene has been previously reported in association with X-linked hypophosphatemic rickets (Popowska et al. (2000). This variant destroys the canonical splice donor site in intron 9, and is expected to cause abnormal gene splicing. The variant was not observed in approximately 6,500 individuals of European and African American ancestry in the NHLBI Exome Sequencing Project, indicating it is not a common benign variant in these populations. Therefore, we consider this variant to be pathogenic.

Literature cited by the submitters: PubMed 21050253 (cited by Women's Health and Genetics/Laboratory Corporation of America, LabCorp and Labcorp Genetics (formerly Invitae), Labcorp); PubMed 35842615 (cited by Women's Health and Genetics/Laboratory Corporation of America, LabCorp); PubMed 33639975 (cited by Women's Health and Genetics/Laboratory Corporation of America, LabCorp); PubMed 16199547 (cited by Labcorp Genetics (formerly Invitae), Labcorp); PubMed 9097956 (cited by Labcorp Genetics (formerly Invitae), Labcorp); PubMed 9106524 (cited by Labcorp Genetics (formerly Invitae), Labcorp); PubMed 19219621 (cited by Labcorp Genetics (formerly Invitae), Labcorp); PubMed 14564077 (cited by Labcorp Genetics (formerly Invitae), Labcorp).